The following is an entry in ClinVar:

ClinVar aggregate classification (germline): Uncertain significance (1 of 4 stars; one submission).

gnomAD v4.1: 1 of 1,597,690 alleles (0.000063%); highest among the groups gnomAD compares: Non-Finnish European, 0.000085%; no homozygotes.

Submission:

Labcorp Genetics (formerly Invitae), Labcorp
Classification: Uncertain significance. Last evaluated: 2022-11-06. Review status: criteria provided, single submitter. Criteria: Invitae Variant Classification Sherloc (09022015). Collection method: clinical testing. Allele origin: germline.
Comment: In summary, the available evidence is currently insufficient to determine the role of this variant in disease. Therefore, it has been classified as a Variant of Uncertain Significance. Variants that disrupt the consensus splice site are a relatively common cause of aberrant splicing (PMID: 17576681, 9536098). Algorithms developed to predict the effect of sequence changes on RNA splicing suggest that this variant may disrupt the consensus splice site. This variant has not been reported in the literature in individuals affected with DMXL2-related conditions. This variant is not present in population databases (gnomAD no frequency). This sequence change falls in intron 2 of the DMXL2 gene. It does not directly change the encoded amino acid sequence of the DMXL2 protein. It affects a nucleotide within the consensus splice site.

Literature cited by the submitters: PubMed 17576681; PubMed 9536098.

NM_001378457.1(DMXL2):c.213+4A>G

Gene: DMXL2 (Dmx like 2; minus strand). Cytogenetic location: 15q21.2.
Variant type: single nucleotide variant.
Coding change: c.213+4A>G on transcript NM_001378457.1 (MANE Select); 4 bases into the intron after coding-DNA position 213, A replaced by G.
Molecular consequence: intron variant.
Genome position (GRCh38, 1-based): chr15:51,576,052, T>C on the plus strand (A>G on the coding strand, the complement: DMXL2 is on the minus strand). VCF-style: chr15-51576052-T-C. GRCh37 (hg19) VCF-style: chr15-51868249-T-C.
Other names: c.213+4A>G (NM_001378460.1, NM_001174117.3, NM_015263.5 and 7 more transcripts).
Identifiers: ClinVar variation 2799662 (VCV002799662.3), dbSNP rs1317865985, ClinGen allele CA2628473683.